The following is an entry in ClinVar:

NM_001267550.2(TTN):c.16517C>T (p.Ser5506Phe)

Gene: TTN (titin; minus strand). Cytogenetic location: 2q31.2.
Variant type: single nucleotide variant.
Coding change: c.16517C>T on transcript NM_001267550.2 (MANE Select); coding-DNA position 16517, C replaced by T.
Protein change: p.Ser5506Phe; replaces serine 5506 with phenylalanine.
Molecular consequence: missense variant. On other transcripts: intron variant (3).
Genome position (GRCh38, 1-based): chr2:178,732,544, G>A on the plus strand (C>T on the coding strand, the complement: TTN is on the minus strand). VCF-style: chr2-178732544-G-A. GRCh37 (hg19) VCF-style: chr2-179597271-G-A.
Other names: p.S5189F:TCC>TTC; c.15566C>T, p.Ser5189Phe (NM_001256850.1); c.12785C>T, p.Ser4262Phe (NM_133378.4); c.13282+5538C>T (NM_003319.4); c.13858+5538C>T (NM_133437.4); c.13657+5538C>T (NM_133432.3); short protein forms S5189F, S5506F, S4262F.
Identifiers: ClinVar variation 203257 (VCV000203257.5), dbSNP rs201125295, ClinGen allele CA311835.
Genomic context (GRCh38, chr2:178,732,544, plus strand): 5'-TTGCTGACTTTACATGTGTACGTGCCCGAATCAGAGGTTTTTACTAAATAGAGTTCCAGG[G>A]AACTCTCTAAAGCTTCTTTGGTAATATAGCAGCTTCCACCAGAAACCAGCTCTTTGTTGC-3'
Protein context (NP_001254479.2, residues 5496-5516): CYITKEALES[Ser5506Phe]LELYLVKTSD

ClinVar aggregate classification (germline): Uncertain significance. Review status: criteria provided, multiple submitters, no conflicts (2 of 4 stars). 3 submissions from 3 submitters: Uncertain significance (3). Last evaluated 2023-05-16.

Conditions:
TTN-related disorder. Also called: TTN-related condition; TTN-related disease; TTN-related disorders.
Myopathy, myofibrillar, 9, with early respiratory failure (MFM9). Also called: EDSTROM MYOPATHY; MYOPATHY, PROXIMAL, WITH EARLY RESPIRATORY MUSCLE INVOLVEMENT; Myopathy, distal, with early respiratory failure, autosomal dominant; Hereditary myopathy with early respiratory failure. Identifiers: Orphanet 178464, Orphanet 34521, MedGen C1863599, MONDO:0011362, OMIM 603689.
Early-onset myopathy with fatal cardiomyopathy (CMYO5). Also called: CONGENITAL MYOPATHY 5 WITH CARDIOMYOPATHY; Salih Myopathy. Identifiers: Orphanet 289377, MedGen C2673677, MONDO:0012714, OMIM 611705. Disease mechanism: loss of function.
Hypertrophic cardiomyopathy 9. Also called: Familial hypertrophic cardiomyopathy 9. Identifiers: MedGen C1861065, MONDO:0013412, OMIM 613765.
Dilated cardiomyopathy 1G (CMD1G). Identifiers: Orphanet 154, MedGen C1858763, MONDO:0011400, OMIM 604145.
Tibial muscular dystrophy (TMD). Also called: UDD MYOPATHY; Tibial muscular dystrophy, tardive; Udd Distal Myopathy – Tibial Muscular Dystrophy. Identifiers: Orphanet 609, MedGen C1838244, MONDO:0010870, OMIM 600334.
Autosomal recessive limb-girdle muscular dystrophy type 2J (LGMDR10). Also called: MUSCULAR DYSTROPHY, LIMB-GIRDLE, AUTOSOMAL RECESSIVE 10; Limb-girdle muscular dystrophy, type 2J. Identifiers: Orphanet 140922, MedGen C1837342, MONDO:0012127, OMIM 608807.

Allele frequency attached by ClinVar (database versions not stated): gnomAD exomes 0.00002 and 0.00005; TOPMed 0.00003; ExAC 0.00004; gnomAD 0.00004; ESP Exome Variant Server 0.00008.
gnomAD v4.1: 79 of 1,613,494 alleles (0.0049%); highest among the groups gnomAD compares: Non-Finnish European, 0.0065%; no homozygotes.

Submissions (3):

PreventionGenetics, part of Exact Sciences
Classification: Uncertain significance for TTN-related condition. Last evaluated: 2023-05-16. Review status: criteria provided, single submitter. Criteria: ACMG Guidelines, 2015. Collection method: clinical testing. Allele origin: germline.
Comment: The TTN c.16517C>T variant is predicted to result in the amino acid substitution p.Ser5506Phe. To our knowledge, this variant has not been reported in the literature. This variant is reported in 0.0045% of alleles in individuals of European (Non-Finnish) descent in gnomAD. At this time, the clinical significance of this variant is uncertain due to the absence of conclusive functional and genetic evidence.

Fulgent Genetics
Classification: Uncertain significance for Tibial muscular dystrophy; Myopathy, myofibrillar, 9, with early respiratory failure; Dilated cardiomyopathy 1G; Autosomal recessive limb-girdle muscular dystrophy type 2J; Early-onset myopathy with fatal cardiomyopathy; Hypertrophic cardiomyopathy 9. Last evaluated: 2021-10-15. Review status: criteria provided, single submitter. Criteria: ACMG Guidelines, 2015. Collection method: clinical testing. Allele origin: unknown.

GeneDx
Classification: Uncertain significance. Last evaluated: 2014-06-30. Review status: criteria provided, single submitter. Criteria: GeneDx Variant Classification (06012015). Collection method: clinical testing. Allele origin: germline. Affected: yes.
Comment: Missense variants in the TTN gene are considered 'unclassified' if they are not previously reported in the literature and do not have >1% frequency in the population to be considered a polymorphism. Research indicates that truncating mutations in the TTN gene are expected to account for approximately 25% of familial and 18% of sporadic idiopathic DCM; however, truncating variants in the TTN gene have been reported in approximately 3% of reported control alleles. There has been little investigation into non-truncating variants. (Herman D et al. Truncations of titin causing dilated cardiomyopathy. N Eng J Med 366:619-628, 2012) The variant is found in CARDIOMYOPATHY panel(s).